The following is an entry in ClinVar:

NM_001145809.2(MYH14):c.2900C>T (p.Thr967Met)

Gene: MYH14 (myosin heavy chain 14; plus strand). Cytogenetic location: 19q13.33.
Variant type: single nucleotide variant.
Coding change: c.2900C>T on transcript NM_001145809.2 (MANE Select); coding-DNA position 2900, C replaced by T.
Protein change: p.Thr967Met; replaces threonine 967 with methionine.
Molecular consequence: missense variant.
Genome position (GRCh38, 1-based): chr19:50,268,234, C>T. VCF-style: chr19-50268234-C-T. GRCh37 (hg19) VCF-style: chr19-50771491-C-T.
Other names: c.2801C>T, p.Thr934Met (NM_001077186.2); c.2777C>T, p.Thr926Met (NM_024729.4); short protein forms T926M, T934M, T967M.
Identifiers: ClinVar variation 893919 (VCV000893919.9), dbSNP rs142134135, ClinGen allele CA9593068.

ClinVar aggregate classification (germline): Conflicting classifications of pathogenicity. Review status: criteria provided, conflicting classifications (1 of 4 stars). 3 submissions from 3 submitters: Uncertain significance (2); Likely benign (1). Last evaluated 2022-12-12.

Conditions:
Peripheral neuropathy-myopathy-hoarseness-hearing loss syndrome. Identifiers: Orphanet 397744, MedGen C3280556, MONDO:0013711, OMIM 614369.
Autosomal dominant nonsyndromic hearing loss 4A. Also called: Deafness, autosomal dominant 4A. Identifiers: Orphanet 90635, MedGen C1833503, MONDO:0010915, OMIM 600652.

Allele frequency attached by ClinVar (database versions not stated): gnomAD 0.00001 and 0.00003; gnomAD exomes 0.00006; 1000 Genomes Project 30x 0.00031.
gnomAD v4.1: 59 of 1,563,796 alleles (0.0038%); highest among the groups gnomAD compares: East Asian, 0.058%; no homozygotes.

Submissions (3):

Labcorp Genetics (formerly Invitae), Labcorp
Classification: Likely benign. Last evaluated: 2022-12-12. Review status: criteria provided, single submitter. Criteria: Invitae Variant Classification Sherloc (09022015). Collection method: clinical testing. Allele origin: germline.

Baylor Genetics
Classification: Uncertain significance for Peripheral neuropathy-myopathy-hoarseness-hearing loss syndrome. Last evaluated: 2018-01-24. Review status: criteria provided, single submitter. Criteria: ACMG Guidelines, 2015. Collection method: clinical testing. Allele origin: unknown. Affected: yes.
Comment: This variant was determined to be of uncertain significance according to ACMG Guidelines, 2015 [PMID:25741868].

Illumina Laboratory Services, Illumina
Classification: Uncertain significance for Autosomal dominant nonsyndromic hearing loss 4A. Last evaluated: 2018-01-13. Review status: criteria provided, single submitter. Criteria: ICSL Variant Classification Criteria 13 December 2019. Collection method: clinical testing. Allele origin: germline.